The following is an entry in ClinVar:

NM_001429.4(EP300):c.5756C>A (p.Pro1919Gln)

Gene: EP300 (E1A binding protein p300; plus strand). Cytogenetic location: 22q13.2.
Variant type: single nucleotide variant.
Coding change: c.5756C>A on transcript NM_001429.4 (MANE Select); coding-DNA position 5756, C replaced by A.
Protein change: p.Pro1919Gln; replaces proline 1919 with glutamine.
Molecular consequence: missense variant.
Genome position (GRCh38, 1-based): chr22:41,177,467, C>A. VCF-style: chr22-41177467-C-A. GRCh37 (hg19) VCF-style: chr22-41573471-C-A.
Other names: c.5678C>A, p.Pro1893Gln (NM_001362843.2); short protein forms P1893Q, P1919Q.
Identifiers: ClinVar variation 3366060 (VCV003366060.1).

ClinVar aggregate classification (germline): Uncertain significance (1 of 4 stars; one submission).

Submission:

GeneDx
Classification: Uncertain significance. Last evaluated: 2023-10-12. Review status: criteria provided, single submitter. Criteria: GeneDx Variant Classification Process June 2021. Collection method: clinical testing. Allele origin: germline. Affected: yes.
Comment: Not observed at significant frequency in large population cohorts (gnomAD); In silico analysis supports that this missense variant does not alter protein structure/function; Has not been previously published as pathogenic or benign to our knowledge